The following is an entry in ClinVar:

NM_001100913.3(PACS2):c.1120G>T (p.Ala374Ser)

Gene: PACS2 (phosphofurin acidic cluster sorting protein 2; plus strand). Cytogenetic location: 14q32.33.
Variant type: single nucleotide variant.
Coding change: c.1120G>T on transcript NM_001100913.3 (MANE Select); coding-DNA position 1120, G replaced by T.
Protein change: p.Ala374Ser; replaces alanine 374 with serine.
Molecular consequence: missense variant.
Genome position (GRCh38, 1-based): chr14:105,380,149, G>T. VCF-style: chr14-105380149-G-T. GRCh37 (hg19) VCF-style: chr14-105846486-G-T.
Other names: c.895G>T, p.Ala299Ser (NM_001243127.3); c.1120G>T, p.Ala374Ser (NM_015197.4); short protein forms A374S, A299S.
Identifiers: ClinVar variation 1491897 (VCV001491897.6), dbSNP rs1374693365, ClinGen allele CA391180858.

ClinVar aggregate classification (germline): Uncertain significance (1 of 4 stars; one submission).

Allele frequency attached by ClinVar (database versions not stated): gnomAD 0.00002; gnomAD exomes 0.00002 and 0.00003; TOPMed 0.00007.
gnomAD v4.1: 45 of 1,551,334 alleles (0.0029%); highest among the groups gnomAD compares: African/African-American, 0.0041%; no homozygotes.

Submission:

Labcorp Genetics (formerly Invitae), Labcorp
Classification: Uncertain significance. Last evaluated: 2022-08-28. Review status: criteria provided, single submitter. Criteria: Invitae Variant Classification Sherloc (09022015). Collection method: clinical testing. Allele origin: germline.
Comment: In summary, the available evidence is currently insufficient to determine the role of this variant in disease. Therefore, it has been classified as a Variant of Uncertain Significance. Algorithms developed to predict the effect of missense changes on protein structure and function output the following: SIFT: "Tolerated"; PolyPhen-2: "Benign"; Align-GVGD: "Class C0". The serine amino acid residue is found in multiple mammalian species, which suggests that this missense change does not adversely affect protein function. ClinVar contains an entry for this variant (Variation ID: 1491897). This missense change has been observed in individual(s) with clinical features of PACS2-related conditions (Invitae). The frequency data for this variant in the population databases is considered unreliable, as metrics indicate poor data quality at this position in the gnomAD database. This sequence change replaces alanine, which is neutral and non-polar, with serine, which is neutral and polar, at codon 374 of the PACS2 protein (p.Ala374Ser).